The following is an entry in ClinVar:

NM_003002.4(SDHD):c.391C>T (p.Leu131Phe)

Gene: SDHD (succinate dehydrogenase complex subunit D; plus strand). Cytogenetic location: 11q23.1.
Variant type: single nucleotide variant.
Coding change: c.391C>T on transcript NM_003002.4 (MANE Select); coding-DNA position 391, C replaced by T.
Protein change: p.Leu131Phe; replaces leucine 131 with phenylalanine.
Molecular consequence: missense variant. On other transcripts: synonymous variant (1), 3 prime UTR variant (1), non-coding transcript variant (1).
Genome position (GRCh38, 1-based): chr11:112,094,881, C>T. VCF-style: chr11-112094881-C-T. GRCh37 (hg19) VCF-style: chr11-111965605-C-T.
Other names: c.246C>T, p.His82= (NM_001276503.2); c.274C>T, p.Leu92Phe (NM_001276504.2); c.*89C>T (NM_001276506.2); short protein forms L131F, L92F.
Identifiers: ClinVar variation 2452938 (VCV002452938.4), dbSNP rs2498917509, ClinGen allele CA382619165.

ClinVar aggregate classification (germline): Uncertain significance. Review status: criteria provided, multiple submitters, no conflicts (2 of 4 stars). 2 submissions from 2 submitters: Uncertain significance (2). Last evaluated 2025-06-13.

Conditions:
Hereditary cancer-predisposing syndrome. Also called: Neoplastic Syndromes, Hereditary; Tumor predisposition; Hereditary neoplastic syndrome; Hereditary Cancer Syndrome. Identifiers: Orphanet 140162, MedGen C0027672, MeSH D009386, MONDO:0015356.
Pheochromocytoma. Also called: MAX-Related Hereditary Paraganglioma-Pheochromocytoma Syndrome. Identifiers: Orphanet 29072, MedGen C0031511, MONDO:0008233, OMIM 171300, HP:0002666.
Cowden syndrome 3 (CWS3). Identifiers: Orphanet 201, MedGen CN166604, MONDO:0014045.
Paragangliomas with sensorineural hearing loss. Identifiers: MedGen C1868633.
Carney-Stratakis syndrome. Also called: PARAGANGLIOMA AND GASTROINTESTINAL STROMAL TUMOR. Identifiers: Orphanet 97286, MedGen C1847319, MONDO:0011740, OMIM 606864.

Submissions (2):

Ambry Genetics
Classification: Uncertain significance for Hereditary cancer-predisposing syndrome. Last evaluated: 2025-06-13. Review status: criteria provided, single submitter. Criteria: Ambry Variant Classification Scheme 2023. Collection method: clinical testing. Allele origin: germline.
Comment: The p.L131F variant (also known as c.391C>T), located in coding exon 4 of the SDHD gene, results from a C to T substitution at nucleotide position 391. The leucine at codon 131 is replaced by phenylalanine, an amino acid with highly similar properties. This amino acid position is well conserved in available vertebrate species. In addition, the in silico prediction for this alteration is inconclusive. Based on the available evidence, the clinical significance of this variant remains unclear.

Labcorp Genetics (formerly Invitae), Labcorp
Classification: Uncertain significance for Carney-Stratakis syndrome; Paragangliomas with sensorineural hearing loss; Pheochromocytoma; Cowden syndrome 3. Last evaluated: 2025-03-19. Review status: criteria provided, single submitter. Criteria: Invitae Variant Classification Sherloc (09022015). Collection method: clinical testing. Allele origin: germline.
Comment: This sequence change replaces leucine, which is neutral and non-polar, with phenylalanine, which is neutral and non-polar, at codon 131 of the SDHD protein (p.Leu131Phe). This variant is not present in population databases (gnomAD no frequency). This variant has not been reported in the literature in individuals affected with SDHD-related conditions. ClinVar contains an entry for this variant (Variation ID: 2452938). Invitae Evidence Modeling of protein sequence and biophysical properties (such as structural, functional, and spatial information, amino acid conservation, physicochemical variation, residue mobility, and thermodynamic stability) indicates that this missense variant is not expected to disrupt SDHD protein function with a negative predictive value of 80%. In summary, the available evidence is currently insufficient to determine the role of this variant in disease. Therefore, it has been classified as a Variant of Uncertain Significance.